The following is an entry in ClinVar:

ClinVar aggregate classification (germline): Uncertain significance (1 of 4 stars; one submission).

Conditions:
RYR1-related disorder. Also called: RYR1-related condition; RYR1-related disorders. Identifiers: MedGen CN239331.

gnomAD v4.1: 1 of 1,613,962 alleles (0.000062%); highest among the groups gnomAD compares: South Asian, 0.0011%; no homozygotes.

Submission:

Labcorp Genetics (formerly Invitae), Labcorp
Classification: Uncertain significance for RYR1-related disorder. Last evaluated: 2024-04-09. Review status: criteria provided, single submitter. Criteria: Invitae Variant Classification Sherloc (09022015). Collection method: clinical testing. Allele origin: germline.
Comment: This sequence change replaces serine, which is neutral and polar, with threonine, which is neutral and polar, at codon 185 of the RYR1 protein (p.Ser185Thr). This variant is not present in population databases (gnomAD no frequency). This variant has not been reported in the literature in individuals affected with RYR1-related conditions. Advanced modeling of protein sequence and biophysical properties (such as structural, functional, and spatial information, amino acid conservation, physicochemical variation, residue mobility, and thermodynamic stability) has been performed at Invitae for this missense variant, however the output from this modeling did not meet the statistical confidence thresholds required to predict the impact of this variant on RYR1 protein function. In summary, the available evidence is currently insufficient to determine the role of this variant in disease. Therefore, it has been classified as a Variant of Uncertain Significance.

NM_000540.3(RYR1):c.554G>C (p.Ser185Thr)

Gene: RYR1 (ryanodine receptor 1; plus strand). Cytogenetic location: 19q13.2.
Variant type: single nucleotide variant.
Coding change: c.554G>C on transcript NM_000540.3 (MANE Select); coding-DNA position 554, G replaced by C.
Protein change: p.Ser185Thr; replaces serine 185 with threonine.
Molecular consequence: missense variant.
Genome position (GRCh38, 1-based): chr19:38,444,600, G>C. VCF-style: chr19-38444600-G-C. GRCh37 (hg19) VCF-style: chr19-38935240-G-C.
Other names: c.554G>C, p.Ser185Thr (NM_001042723.2); short protein forms S185T.
Identifiers: ClinVar variation 3690350 (VCV003690350.2).